The following is an entry in ClinVar:

NM_020461.4(TUBGCP6):c.1675del (p.Glu559fs)

Gene: TUBGCP6 (tubulin gamma complex component 6; minus strand). Cytogenetic location: 22q13.33.
Variant type: Deletion.
Coding change: c.1675del on transcript NM_020461.4 (MANE Select); coding-DNA position 1675, one base deleted (G; older notation c.1675delG).
Protein change: p.Glu559fs; shifts the reading frame from glutamic acid 559.
Molecular consequence: frameshift variant.
Genome position (GRCh38, 1-based): chr22:50,226,305, C deleted on the plus strand (G on the coding strand, the reverse complement: TUBGCP6 is on the minus strand). VCF-style (leftmost placement, unchanged base first): chr22-50226304-TC-T. GRCh37 (hg19) VCF-style: chr22-50664733-TC-T.
Other names: short protein forms E559fs.
Identifiers: ClinVar variation 3729589 (VCV003729589.2).

ClinVar aggregate classification (germline): Pathogenic (1 of 4 stars; one submission).

Submission:

Labcorp Genetics (formerly Invitae), Labcorp
Classification: Pathogenic. Last evaluated: 2025-01-25. Review status: criteria provided, single submitter. Criteria: Invitae Variant Classification Sherloc (09022015). Collection method: clinical testing. Allele origin: germline.
Comment: This sequence change creates a premature translational stop signal (p.Glu559Serfs*30) in the TUBGCP6 gene. It is expected to result in an absent or disrupted protein product. Loss-of-function variants in TUBGCP6 are known to be pathogenic (PMID: 25344692). This variant is not present in population databases (gnomAD no frequency). This variant has not been reported in the literature in individuals affected with TUBGCP6-related conditions. For these reasons, this variant has been classified as Pathogenic.

Literature cited by the submitters: PubMed 25344692.